The following is an entry in ClinVar:

ClinVar aggregate classification (germline): Uncertain significance (1 of 4 stars; one submission).

Submission:

GeneDx
Classification: Uncertain significance. Last evaluated: 2021-03-26. Review status: criteria provided, single submitter. Criteria: GeneDx Variant Classification Process June 2021. Collection method: clinical testing. Allele origin: germline. Affected: yes.
Comment: Not observed in large population cohorts (Lek et al., 2016); In silico analysis supports that this missense variant has a deleterious effect on protein structure/function; Has not been previously published as pathogenic or benign to our knowledge

NM_000047.3(ARSL):c.1098G>C (p.Gln366His)

Gene: ARSL (arylsulfatase L; minus strand). Cytogenetic location: Xp22.33.
Variant type: single nucleotide variant.
Coding change: c.1098G>C on transcript NM_000047.3 (MANE Select); coding-DNA position 1098, G replaced by C.
Protein change: p.Gln366His; replaces glutamine 366 with histidine.
Molecular consequence: missense variant.
Genome position (GRCh38, 1-based): chrX:2,943,093, C>G on the plus strand (G>C on the coding strand, the complement: ARSL is on the minus strand). VCF-style: chrX-2943093-C-G. GRCh37 (hg19) VCF-style: chrX-2861134-C-G.
Other names: c.1173G>C, p.Gln391His (NM_001282628.2, NM_001369080.1); c.936G>C, p.Gln312His (NM_001282631.2); c.1125G>C, p.Gln375His (NM_001369079.1); short protein forms Q312H, Q366H, Q375H, Q391H.
Identifiers: ClinVar variation 1305431 (VCV001305431.2), dbSNP rs1300042778, ClinGen allele CA412278435.